The following is an entry in ClinVar:

NM_006231.4(POLE):c.3703C>G (p.Leu1235Val)

Gene: POLE (DNA polymerase epsilon, catalytic subunit; minus strand). Cytogenetic location: 12q24.33.
Variant type: single nucleotide variant.
Coding change: c.3703C>G on transcript NM_006231.4 (MANE Select); coding-DNA position 3703, C replaced by G.
Protein change: p.Leu1235Val; replaces leucine 1235 with valine.
Molecular consequence: missense variant.
Genome position (GRCh38, 1-based): chr12:132,649,769, G>C on the plus strand (C>G on the coding strand, the complement: POLE is on the minus strand). VCF-style: chr12-132649769-G-C. GRCh37 (hg19) VCF-style: chr12-133226355-G-C.
Other names: short protein forms L1235V.
Identifiers: ClinVar variation 1734119 (VCV001734119.2), dbSNP rs2042379665, ClinGen allele CA387386488.

ClinVar aggregate classification (germline): Uncertain significance (1 of 4 stars; one submission).

Conditions:
Hereditary cancer-predisposing syndrome. Also called: Neoplastic Syndromes, Hereditary; Tumor predisposition; Hereditary Cancer Syndrome; Hereditary neoplastic syndrome. Identifiers: Orphanet 140162, MedGen C0027672, MeSH D009386, MONDO:0015356.

Submission:

Ambry Genetics
Classification: Uncertain significance for Hereditary cancer-predisposing syndrome. Last evaluated: 2021-08-08. Review status: criteria provided, single submitter. Criteria: Ambry Variant Classification Scheme 2023. Collection method: clinical testing. Allele origin: germline.
Comment: The p.L1235V variant (also known as c.3703C>G), located in coding exon 30 of the POLE gene, results from a C to G substitution at nucleotide position 3703. The leucine at codon 1235 is replaced by valine, an amino acid with highly similar properties. This amino acid position is conserved. In addition, this alteration is predicted to be tolerated by in silico analysis. Since supporting evidence is limited at this time, the clinical significance of this alteration remains unclear.